The following is an entry in ClinVar:

NM_004281.4(BAG3):c.1292dup (p.Val432fs)

Gene: BAG3 (BAG cochaperone 3; plus strand). Cytogenetic location: 10q26.11.
Variant type: Duplication.
Coding change: c.1292dup on transcript NM_004281.4 (MANE Select); coding-DNA position 1292, one base duplicated (A; older notation c.1292dupA).
Protein change: p.Val432fs; shifts the reading frame from valine 432.
Molecular consequence: frameshift variant.
Genome position (GRCh38, 1-based): chr10:119,676,846, A duplicated; the last of 2 consecutive A bases (chr10:119,676,845-119,676,846); duplicating either gives the same sequence. VCF-style (leftmost placement, unchanged base first): chr10-119676844-G-GA. GRCh37 (hg19) VCF-style: chr10-121436356-G-GA.
Other names: c.1292dupA (NM_004281.3); short protein forms V432fs.
Identifiers: ClinVar variation 264518 (VCV000264518.12), dbSNP rs886039182, ClinGen allele CA10587696.

ClinVar aggregate classification (germline): Pathogenic. Review status: criteria provided, multiple submitters, no conflicts (2 of 4 stars). 2 submissions from 2 submitters: Pathogenic (2). Last evaluated 2021-12-27.

Conditions:
Myofibrillar myopathy 6. Identifiers: Orphanet 199340, MedGen C2751831, MONDO:0013061, OMIM 612954.
Dilated cardiomyopathy 1HH (CMD1HH). Identifiers: Orphanet 154, MedGen C3151293, MONDO:0013479, OMIM 613881.
Cardiovascular phenotype. Identifiers: MedGen CN230736.

Submissions (2):

Labcorp Genetics (formerly Invitae), Labcorp
Classification: Pathogenic for Dilated cardiomyopathy 1HH; Myofibrillar myopathy 6. Last evaluated: 2021-12-27. Review status: criteria provided, single submitter. Criteria: Invitae Variant Classification Sherloc (09022015). Collection method: clinical testing. Allele origin: germline.
Comment: This variant is not present in population databases (gnomAD no frequency). This variant has not been reported in the literature in individuals affected with BAG3-related conditions. ClinVar contains an entry for this variant (Variation ID: 264518). This variant disrupts a region of the BAG3 protein in which other variant(s) (p.Glu471Argfs*95) have been determined to be pathogenic (Invitae). This suggests that this is a clinically significant region of the protein, and that variants that disrupt it are likely to be disease-causing. For these reasons, this variant has been classified as Pathogenic. This sequence change creates a premature translational stop signal (p.Val432Glyfs*12) in the BAG3 gene. While this is not anticipated to result in nonsense mediated decay, it is expected to disrupt the last 144 amino acid(s) of the BAG3 protein.

Ambry Genetics
Classification: Pathogenic for Cardiovascular phenotype. Last evaluated: 2020-08-26. Review status: criteria provided, single submitter. Criteria: Ambry Variant Classification Scheme 2023. Collection method: clinical testing. Allele origin: germline.
Comment: The c.1292dupA pathogenic mutation, located in coding exon 4 of the BAG3 gene, results from a duplication of A at nucleotide position 1292, causing a translational frameshift with a predicted alternate stop codon (p.V432Gfs*12). This alteration has not been previously reported; however, loss of function alterations have been reported in numerous cases of familial dilated cardiomyopathy, including many families with strong segregation with disease (Norton N et al. Am J Hum Genet. 2011;88(3):273-82; Villard E et al. Eur Heart J. 2011;32(9):1065-76; Chami N et al. Can J Cardiol. 2014;30(12):1655-61; Feldman AM et al. J Cell Physiol. 2014;229(11):1697-702; Franaszczyk M et al. J Transl Med. 2014;12:192; van Spaendonck-Zwarts KY et al. Eur Heart J. 2014;35(32):2165-73). In addition, in Norton et al. 2011, BAG3 knockdown in a zebrafish model showed heart failure with decreased fractional shortening and pericardial effusion. This alteration is expected to result in loss of function by premature protein truncation. As such, this alteration is interpreted as a disease-causing mutation.